The following is an entry in ClinVar:

NM_017841.4(SDHAF2):c.85A>T (p.Thr29Ser)

Gene: SDHAF2 (succinate dehydrogenase complex assembly factor 2; plus strand). Cytogenetic location: 11q12.2.
Variant type: single nucleotide variant.
Coding change: c.85A>T on transcript NM_017841.4 (MANE Select); coding-DNA position 85, A replaced by T.
Protein change: p.Thr29Ser; replaces threonine 29 with serine.
Molecular consequence: missense variant.
Genome position (GRCh38, 1-based): chr11:61,437,673, A>T. VCF-style: chr11-61437673-A-T. GRCh37 (hg19) VCF-style: chr11-61205145-A-T.
Other names: short protein forms T29S.
Identifiers: ClinVar variation 5029230 (VCV005029230.1).

ClinVar aggregate classification (germline): Uncertain significance (1 of 4 stars; one submission).

Conditions:
Hereditary cancer-predisposing syndrome. Also called: Neoplastic Syndromes, Hereditary; Tumor predisposition; Hereditary neoplastic syndrome; Hereditary Cancer Syndrome. Identifiers: Orphanet 140162, MedGen C0027672, MeSH D009386, MONDO:0015356.

gnomAD v4.1: 1 of 1,614,208 alleles (0.000062%); highest among the groups gnomAD compares: Middle Eastern, 0.016%; no homozygotes.

Submission:

Ambry Genetics
Classification: Uncertain significance for Hereditary cancer-predisposing syndrome. Last evaluated: 2026-07-06. Review status: criteria provided, single submitter. Criteria: Ambry Variant Classification Scheme 2023. Collection method: clinical testing. Allele origin: germline.
Comment: The p.T29S variant (also known as c.85A>T), located in coding exon 2 of the SDHAF2 gene, results from an A to T substitution at nucleotide position 85. The threonine at codon 29 is replaced by serine, an amino acid with similar properties. This amino acid position is conserved. In addition, this alteration is predicted to be tolerated by in silico analysis. Based on the available evidence, the clinical significance of this variant remains unclear.